The following is an entry in ClinVar:

NM_145054.5(CFAP52):c.1592T>C (p.Val531Ala)

Gene: CFAP52 (cilia and flagella associated protein 52; plus strand). Cytogenetic location: 17p13.1.
Variant type: single nucleotide variant.
Coding change: c.1592T>C on transcript NM_145054.5 (MANE Select); coding-DNA position 1592, T replaced by C.
Protein change: p.Val531Ala; replaces valine 531 with alanine.
Molecular consequence: missense variant.
Genome position (GRCh38, 1-based): chr17:9,641,740, T>C. VCF-style: chr17-9641740-T-C. GRCh37 (hg19) VCF-style: chr17-9545057-T-C.
Other names: c.1592T>C (NM_145054.4); c.1388T>C, p.Val463Ala (NM_001080556.2); short protein forms V463A, V531A.
Identifiers: ClinVar variation 1369782 (VCV001369782.7), dbSNP rs529314545, ClinGen allele CA8382290.
Genomic context (GRCh38, chr17:9,641,740, plus strand): 5'-CTCCTGAGCTGAGTCCTGCTTAATGCTTCTTTCCTGAATTCCAGATTGCTTACTGGGAAG[T>C]ATTTGATGGGACAGTAATCAGAGAATTGGAAGGTTCCCTGTCTGGGTCGATAAATGGCAT-3'
Protein context (NP_659491.4, residues 521-541): GTDRKIAYWE[Val531Ala]FDGTVIRELE

ClinVar aggregate classification (germline): Uncertain significance. Review status: criteria provided, multiple submitters, no conflicts (2 of 4 stars). 2 submissions from 2 submitters: Uncertain significance (2). Last evaluated 2023-12-08.

Conditions:
Situs inversus. Also called: Situs inversus totalis. Identifiers: Orphanet 101063, MedGen C4551493, MONDO:0010029, HP:0001696.

Allele frequency attached by ClinVar (database versions not stated): gnomAD exomes 0.00002 and 0.00008; ExAC 0.00005; gnomAD 0.00013; 1000 Genomes Project 0.00020; TOPMed 0.00023; 1000 Genomes Project 30x 0.00031.

Submissions (2):

Ambry Genetics
Classification: Uncertain significance. Last evaluated: 2023-12-08. Review status: criteria provided, single submitter. Criteria: Ambry Variant Classification Scheme 2023. Collection method: clinical testing. Allele origin: germline.

Labcorp Genetics (formerly Invitae), Labcorp
Classification: Uncertain significance for Situs inversus. Last evaluated: 2022-08-31. Review status: criteria provided, single submitter. Criteria: Invitae Variant Classification Sherloc (09022015). Collection method: clinical testing. Allele origin: germline.
Comment: This sequence change replaces valine, which is neutral and non-polar, with alanine, which is neutral and non-polar, at codon 531 of the CFAP52 protein (p.Val531Ala). This variant is present in population databases (rs529314545, gnomAD 0.05%). In summary, the available evidence is currently insufficient to determine the role of this variant in disease. Therefore, it has been classified as a Variant of Uncertain Significance. Algorithms developed to predict the effect of missense changes on protein structure and function (SIFT, PolyPhen-2, Align-GVGD) all suggest that this variant is likely to be tolerated. ClinVar contains an entry for this variant (Variation ID: 1369782). This variant has not been reported in the literature in individuals affected with CFAP52-related conditions.